The following is an entry in ClinVar:

NM_000535.7(PMS2):c.889T>G (p.Cys297Gly)

Gene: PMS2 (PMS1 homolog 2, mismatch repair system component; minus strand). Cytogenetic location: 7p22.1.
Variant type: single nucleotide variant.
Coding change: c.889T>G on transcript NM_000535.7 (MANE Select); coding-DNA position 889, T replaced by G.
Protein change: p.Cys297Gly; replaces cysteine 297 with glycine.
Molecular consequence: missense variant. On other transcripts: 5 prime UTR variant (2), non-coding transcript variant (1).
Genome position (GRCh38, 1-based): chr7:5,995,548, A>C on the plus strand (T>G on the coding strand, the complement: PMS2 is on the minus strand). VCF-style: chr7-5995548-A-C. GRCh37 (hg19) VCF-style: chr7-6035179-A-C.
Other names: c.484T>G, p.Cys162Gly (NM_001322003.2, NM_001322004.2, NM_001322005.2 and 2 more transcripts); c.889T>G, p.Cys297Gly (NM_001322006.2, NM_001322014.2); c.571T>G, p.Cys191Gly (NM_001322007.2, NM_001322008.2); c.-45T>G (NM_001322011.2, NM_001322012.2); c.316T>G, p.Cys106Gly (NM_001322013.2); c.580T>G, p.Cys194Gly (NM_001322015.2); short protein forms C297G, C106G, C191G, C162G, C194G.
Identifiers: ClinVar variation 628519 (VCV000628519.21), dbSNP rs1562663507, ClinGen allele CA366743423.

ClinVar aggregate classification (germline): Uncertain significance. Review status: criteria provided, multiple submitters, no conflicts (2 of 4 stars). 6 submissions from 6 submitters: Uncertain significance (6). Last evaluated 2025-04-09.

Conditions:
Hereditary cancer-predisposing syndrome. Also called: Neoplastic Syndromes, Hereditary; Tumor predisposition; Hereditary neoplastic syndrome; Hereditary Cancer Syndrome. Identifiers: Orphanet 140162, MedGen C0027672, MeSH D009386, MONDO:0015356.
Hereditary nonpolyposis colorectal neoplasms. Identifiers: MedGen C0009405, MeSH D003123.
Lynch syndrome. Identifiers: Orphanet 144, MedGen C4552100, MONDO:0005835. Disease mechanism: loss of function.

Submissions (6):

Ambry Genetics
Classification: Uncertain significance for Hereditary cancer-predisposing syndrome. Last evaluated: 2025-04-09. Review status: criteria provided, single submitter. Criteria: Ambry Variant Classification Scheme 2023. Collection method: clinical testing. Allele origin: germline.
Comment: The p.C297G variant (also known as c.889T>G), located in coding exon 8 of the PMS2 gene, results from a T to G substitution at nucleotide position 889. The cysteine at codon 297 is replaced by glycine, an amino acid with highly dissimilar properties. This amino acid position is conserved. In addition, this alteration is predicted to be deleterious by in silico analysis. Since supporting evidence is limited at this time, the clinical significance of this alteration remains unclear.

All of Us Research Program, National Institutes of Health
Classification: Uncertain significance for Lynch syndrome. Last evaluated: 2024-05-17. Review status: criteria provided, single submitter. Criteria: ACMG Guidelines, 2015. Collection method: clinical testing. Allele origin: germline. Inheritance: Autosomal dominant inheritance. Observed: 1 variant allele, 1 heterozygote.
Comment: This study involves interpretation of variants in research participants for the purpose of population health screening. Participant phenotype was not available at the time of variant classification. Additional details can be found in publication PMID: 35346344, PMCID: PMC8962531

Color Diagnostics, LLC DBA Color Health
Classification: Uncertain significance for Hereditary cancer-predisposing syndrome. Last evaluated: 2023-12-05. Review status: criteria provided, single submitter. Criteria: ACMG Guidelines, 2015. Collection method: clinical testing. Allele origin: germline.
Comment: This missense variant replaces cysteine with glycine at codon 297 of the PMS2 protein. Computational prediction suggests that this variant may have deleterious impact on protein structure and function (internally defined REVEL score threshold >= 0.7, PMID: 27666373). To our knowledge, functional studies have not been reported for this variant. This variant has not been reported in individuals affected with PMS2-related disorders in the literature. This variant has not been identified in the general population by the Genome Aggregation Database (gnomAD). The available evidence is insufficient to determine the role of this variant in disease conclusively. Therefore, this variant is classified as a Variant of Uncertain Significance.

Labcorp Genetics (formerly Invitae), Labcorp
Classification: Uncertain significance for Hereditary nonpolyposis colorectal neoplasms. Last evaluated: 2023-02-20. Review status: criteria provided, single submitter. Criteria: Invitae Variant Classification Sherloc (09022015). Collection method: clinical testing. Allele origin: germline.
Comment: In summary, the available evidence is currently insufficient to determine the role of this variant in disease. Therefore, it has been classified as a Variant of Uncertain Significance. Advanced modeling of protein sequence and biophysical properties (such as structural, functional, and spatial information, amino acid conservation, physicochemical variation, residue mobility, and thermodynamic stability) performed at Invitae indicates that this missense variant is expected to disrupt PMS2 protein function. ClinVar contains an entry for this variant (Variation ID: 628519). This variant has not been reported in the literature in individuals affected with PMS2-related conditions. This variant is not present in population databases (gnomAD no frequency). This sequence change replaces cysteine, which is neutral and slightly polar, with glycine, which is neutral and non-polar, at codon 297 of the PMS2 protein (p.Cys297Gly).

Department of Pathology and Laboratory Medicine, Sinai Health System
Classification: Uncertain significance for Lynch syndrome. Last evaluated: 2022-08-30. Review status: criteria provided, single submitter. Criteria: ACMG Guidelines, 2015. Collection method: clinical testing. Allele origin: germline. Affected: yes.

GeneDx
Classification: Uncertain significance. Last evaluated: 2020-01-14. Review status: criteria provided, single submitter. Criteria: GeneDx Variant Classification Process June 2021. Collection method: clinical testing. Allele origin: germline. Affected: yes.
Comment: Not observed in large population cohorts (Lek 2016); In silico analysis, which includes protein predictors and evolutionary conservation, supports a deleterious effect; Has not been previously published as pathogenic or benign to our knowledge